The following is an entry in ClinVar:

NM_012275.3(IL36RN):c.208T>C (p.Cys70Arg)

Gene: IL36RN (interleukin 36 receptor antagonist; plus strand). Cytogenetic location: 2q14.1.
Variant type: single nucleotide variant.
Coding change: c.208T>C on transcript NM_012275.3 (MANE Select); coding-DNA position 208, T replaced by C.
Protein change: p.Cys70Arg; replaces cysteine 70 with arginine.
Molecular consequence: missense variant.
Genome position (GRCh38, 1-based): chr2:113,062,216, T>C. VCF-style: chr2-113062216-T-C. GRCh37 (hg19) VCF-style: chr2-113819793-T-C.
Other names: c.208T>C, p.Cys70Arg (NM_173170.1); short protein forms C70R.
Identifiers: ClinVar variation 1393190 (VCV001393190.5), dbSNP rs375718709, ClinGen allele CA1838387.

ClinVar aggregate classification (germline): Uncertain significance (1 of 4 stars; one submission).

Conditions:
Generalized pustular psoriasis. Identifiers: Orphanet 247353, MedGen C0343055, MONDO:0100491.

Allele frequency attached by ClinVar (database versions not stated): gnomAD exomes below 0.00001; TOPMed 0.00001; ExAC 0.00002; ESP Exome Variant Server 0.00008.
gnomAD v4.1: 4 of 1,613,916 alleles (0.00025%); highest among the groups gnomAD compares: African/African-American, 0.0013%; no homozygotes.

Submission:

Labcorp Genetics (formerly Invitae), Labcorp
Classification: Uncertain significance for Generalized pustular psoriasis. Last evaluated: 2021-08-24. Review status: criteria provided, single submitter. Criteria: Invitae Variant Classification Sherloc (09022015). Collection method: clinical testing. Allele origin: germline.
Comment: This sequence change replaces cysteine with arginine at codon 70 of the IL36RN protein (p.Cys70Arg). The cysteine residue is highly conserved and there is a large physicochemical difference between cysteine and arginine. This variant is present in population databases (rs375718709, ExAC 0.02%). This variant has not been reported in the literature in individuals affected with IL36RN-related conditions. Algorithms developed to predict the effect of missense changes on protein structure and function (SIFT, PolyPhen-2, Align-GVGD) all suggest that this variant is likely to be disruptive. In summary, the available evidence is currently insufficient to determine the role of this variant in disease. Therefore, it has been classified as a Variant of Uncertain Significance.